The following is an entry in ClinVar:

NM_000051.4(ATM):c.2341C>G (p.Gln781Glu)

Gene: ATM (ATM serine/threonine kinase; plus strand). Cytogenetic location: 11q22.3.
Variant type: single nucleotide variant.
Coding change: c.2341C>G on transcript NM_000051.4 (MANE Select); coding-DNA position 2341, C replaced by G.
Protein change: p.Gln781Glu; replaces glutamine 781 with glutamic acid.
Molecular consequence: missense variant.
Genome position (GRCh38, 1-based): chr11:108,257,571, C>G. VCF-style: chr11-108257571-C-G. GRCh37 (hg19) VCF-style: chr11-108128298-C-G.
Other names: c.2341C>G (NM_000051.3); c.2341C>G, p.Gln781Glu (NM_001351834.2); short protein forms Q781E.
Identifiers: ClinVar variation 546686 (VCV000546686.45), dbSNP rs1555075781, ClinGen allele CA382540156.

ClinVar aggregate classification (germline): Uncertain significance. Review status: criteria provided, multiple submitters, no conflicts (2 of 4 stars). 2 submissions from 2 submitters: Uncertain significance (2). Last evaluated 2023-06-24.

Conditions:
Hereditary cancer-predisposing syndrome. Also called: Hereditary Cancer Syndrome; Tumor predisposition; Neoplastic Syndromes, Hereditary; Hereditary neoplastic syndrome. Identifiers: Orphanet 140162, MedGen C0027672, MeSH D009386, MONDO:0015356.

Submissions (2):

Ambry Genetics
Classification: Uncertain significance for Hereditary cancer-predisposing syndrome. Last evaluated: 2023-06-24. Review status: criteria provided, single submitter. Criteria: Ambry Variant Classification Scheme 2023. Collection method: clinical testing. Allele origin: germline.
Comment: The p.Q781E variant (also known as c.2341C>G), located in coding exon 14 of the ATM gene, results from a C to G substitution at nucleotide position 2341. The glutamine at codon 781 is replaced by glutamic acid, an amino acid with highly similar properties. This amino acid position is conserved. In addition, this alteration is predicted to be tolerated by in silico analysis. Since supporting evidence is limited at this time, the clinical significance of this alteration remains unclear.

CeGaT Center for Human Genetics Tuebingen
Classification: Uncertain significance. Last evaluated: 2017-11-01. Review status: criteria provided, single submitter. Criteria: CeGaT Center For Human Genetics Tuebingen Variant Classification Criteria Version 2. Collection method: clinical testing. Allele origin: germline. Affected: yes. Observed: 1 variant allele.